The following is an entry in ClinVar:

NM_001365999.1(SZT2):c.6274G>A (p.Ala2092Thr)

Gene: SZT2 (SZT2 subunit of KICSTOR complex; plus strand). Cytogenetic location: 1p34.2.
Variant type: single nucleotide variant.
Coding change: c.6274G>A on transcript NM_001365999.1 (MANE Select); coding-DNA position 6274, G replaced by A.
Protein change: p.Ala2092Thr; replaces alanine 2092 with threonine.
Molecular consequence: missense variant.
Genome position (GRCh38, 1-based): chr1:43,437,492, G>A. VCF-style: chr1-43437492-G-A. GRCh37 (hg19) VCF-style: chr1-43903163-G-A.
Other names: c.6103G>A, p.Ala2035Thr (NM_015284.4); short protein forms A2092T, A2035T.
Identifiers: ClinVar variation 1996820 (VCV001996820.4), dbSNP rs761401871, ClinGen allele CA809827.

ClinVar aggregate classification (germline): Uncertain significance (1 of 4 stars; one submission).

Allele frequency attached by ClinVar (database versions not stated): ExAC 0.00001; gnomAD 0.00001.

Submission:

Labcorp Genetics (formerly Invitae), Labcorp
Classification: Uncertain significance. Last evaluated: 2022-05-20. Review status: criteria provided, single submitter. Criteria: Invitae Variant Classification Sherloc (09022015). Collection method: clinical testing. Allele origin: germline.
Comment: In summary, the available evidence is currently insufficient to determine the role of this variant in disease. Therefore, it has been classified as a Variant of Uncertain Significance. Algorithms developed to predict the effect of missense changes on protein structure and function are either unavailable or do not agree on the potential impact of this missense change (SIFT: "Tolerated"; PolyPhen-2: "Possibly Damaging"; Align-GVGD: "Class C0"). This variant has not been reported in the literature in individuals affected with SZT2-related conditions. This variant is present in population databases (rs761401871, gnomAD 0.006%). This sequence change replaces alanine, which is neutral and non-polar, with threonine, which is neutral and polar, at codon 2035 of the SZT2 protein (p.Ala2035Thr).